The following is an entry in ClinVar:

NM_004517.4(ILK):c.377T>C (p.Val126Ala)

Genes: TAF10 (TATA-box binding protein associated factor 10; minus strand), ILK (integrin linked kinase; plus strand). Cytogenetic location: 11p15.4.
Variant type: single nucleotide variant.
Coding change: c.377T>C on transcript NM_004517.4 (MANE Select); coding-DNA position 377, T replaced by C.
Protein change: p.Val126Ala; replaces valine 126 with alanine.
Molecular consequence: missense variant. On other transcripts: 5 prime UTR variant (1), 3 prime UTR variant (1), intron variant (1).
Genome position (GRCh38, 1-based): chr11:6,608,719, T>C. VCF-style: chr11-6608719-T-C. GRCh37 (hg19) VCF-style: chr11-6629949-T-C.
Other names: c.377T>C, p.Val126Ala (NM_001014794.3, NM_001014795.3); c.-26T>C (NM_001278442.2); c.*2203A>G (NM_006284.4); c.352-165T>C (NM_001278441.2); short protein forms V126A.
Identifiers: ClinVar variation 2150592 (VCV002150592.4), dbSNP rs779981802, ClinGen allele CA5858033.

ClinVar aggregate classification (germline): Uncertain significance (1 of 4 stars; one submission).

Conditions:
Primary familial hypertrophic cardiomyopathy (HCM). Identifiers: Orphanet 99739, MedGen C0949658, MeSH D024741, MONDO:0024573. Inheritance: Various modes of inheritance.

Allele frequency attached by ClinVar (database versions not stated): ExAC 0.00001; gnomAD exomes 0.00002; TOPMed 0.00002.
gnomAD v4.1: 33 of 1,614,140 alleles (0.002%); highest among the groups gnomAD compares: Non-Finnish European, 0.0025%; no homozygotes.

Submission:

Labcorp Genetics (formerly Invitae), Labcorp
Classification: Uncertain significance for Primary familial hypertrophic cardiomyopathy. Last evaluated: 2022-09-01. Review status: criteria provided, single submitter. Criteria: Invitae Variant Classification Sherloc (09022015). Collection method: clinical testing. Allele origin: germline.
Comment: This sequence change replaces valine, which is neutral and non-polar, with alanine, which is neutral and non-polar, at codon 126 of the ILK protein (p.Val126Ala). In summary, the available evidence is currently insufficient to determine the role of this variant in disease. Therefore, it has been classified as a Variant of Uncertain Significance. Algorithms developed to predict the effect of missense changes on protein structure and function (SIFT, PolyPhen-2, Align-GVGD) all suggest that this variant is likely to be disruptive. This variant has not been reported in the literature in individuals affected with ILK-related conditions. This variant is present in population databases (rs779981802, gnomAD 0.002%).